The following is an entry in ClinVar:

NM_152564.5(VPS13B):c.857A>C (p.Tyr286Ser)

Gene: VPS13B (vacuolar protein sorting 13 homolog B; plus strand). Cytogenetic location: 8q22.2.
Variant type: single nucleotide variant.
Coding change: c.857A>C on transcript NM_152564.5 (MANE Select); coding-DNA position 857, A replaced by C.
Protein change: p.Tyr286Ser; replaces tyrosine 286 with serine.
Molecular consequence: missense variant. On other transcripts: non-coding transcript variant (1).
Genome position (GRCh38, 1-based): chr8:99,115,794, A>C. VCF-style: chr8-99115794-A-C. GRCh37 (hg19) VCF-style: chr8-100128022-A-C.
Other names: c.857A>C, p.Tyr286Ser (NM_015243.3, NM_017890.5, NM_181661.3); short protein forms Y286S.
Identifiers: ClinVar variation 4741826 (VCV004741826.1).
Genomic context (GRCh38, chr8:99,115,794, plus strand): 5'-TCACAGATCAACAACTGCCTATGTTTATTCGTATAATGCAACTTGGAATTGCTCTTTACT[A>C]TGGAGAAATAGGCAATTTTAAAGAAGGCGAAATAGAGGACCTTACTTGTCATAATAAAGA-3'
Protein context (NP_689777.3, residues 276-296): RIMQLGIALY[Tyr286Ser]GEIGNFKEGE

ClinVar aggregate classification (germline): Uncertain significance (1 of 4 stars; one submission).

Conditions:
Cohen syndrome (COH1). Also called: PEPPER SYNDROME; Cutis verticis gyrata, retinitis pigmentosa, and sensorineural deafness. Identifiers: Orphanet 193, MedGen C0265223, MONDO:0008999, OMIM 216550.

Submission:

Labcorp Genetics (formerly Invitae), Labcorp
Classification: Uncertain significance for Cohen syndrome. Last evaluated: 2025-12-10. Review status: criteria provided, single submitter. Criteria: Invitae Variant Classification Sherloc (09022015). Collection method: clinical testing. Allele origin: germline.
Comment: This sequence change replaces tyrosine, which is neutral and polar, with serine, which is neutral and polar, at codon 286 of the VPS13B protein (p.Tyr286Ser). This variant is not present in population databases (gnomAD no frequency). This variant has not been reported in the literature in individuals affected with VPS13B-related conditions. Invitae Evidence Modeling of protein sequence and biophysical properties (such as structural, functional, and spatial information, amino acid conservation, physicochemical variation, residue mobility, and thermodynamic stability) indicates that this missense variant is expected to disrupt VPS13B protein function with a positive predictive value of 80%. In summary, the available evidence is currently insufficient to determine the role of this variant in disease. Therefore, it has been classified as a Variant of Uncertain Significance.